The following is an entry in ClinVar:

NM_006267.5(RANBP2):c.2977T>G (p.Ser993Ala)

Gene: RANBP2 (RAN binding protein 2; plus strand). Cytogenetic location: 2q13.
Variant type: single nucleotide variant.
Coding change: c.2977T>G on transcript NM_006267.5 (MANE Select); coding-DNA position 2977, T replaced by G.
Protein change: p.Ser993Ala; replaces serine 993 with alanine.
Molecular consequence: missense variant.
Genome position (GRCh38, 1-based): chr2:108,763,516, T>G. VCF-style: chr2-108763516-T-G. GRCh37 (hg19) VCF-style: chr2-109379972-T-G.
Other names: short protein forms S993A.
Identifiers: ClinVar variation 423484 (VCV000423484.2), dbSNP rs1064796454, ClinGen allele CA16617222.

ClinVar aggregate classification (germline): Uncertain significance (1 of 4 stars; one submission).

Allele frequency attached by ClinVar (database versions not stated): gnomAD below 0.00001 and 0.00001; gnomAD exomes below 0.00001.
gnomAD v4.1: 5 of 1,614,014 alleles (0.00031%); highest among the groups gnomAD compares: South Asian, 0.0044%; no homozygotes.

Submission:

GeneDx
Classification: Uncertain significance. Last evaluated: 2017-02-24. Review status: criteria provided, single submitter. Criteria: GeneDx Variant Classification (06012015). Collection method: clinical testing. Allele origin: germline. Affected: yes.
Comment: The S993A variant in the RANBP2 gene has not been reported previously as a pathogenic variant, nor as a benign variant, to our knowledge. The S993A variant is not observed in large population cohorts (Lek et al., 2016; 1000 Genomes Consortium et al., 2015; Exome Variant Server). The S993A variant is a non-conservative amino acid substitution, which is likely to impact secondary protein structure as these residues differ in polarity, charge, size and/or other properties. This substitution occurs at a position that is conserved in mammals. In silico analysis is inconsistent in its predictions as to whether or not the variant is damaging to the protein structure/function. We interpret S993A as a variant of uncertain significance.